The following is an entry in ClinVar:

ClinVar aggregate classification (germline): Uncertain significance. Review status: reviewed by expert panel (3 of 4 stars). 2 submissions from 2 submitters: Uncertain significance (1). 1 of the submissions does not count toward it. Last evaluated 2024-04-23.

Conditions:
Mitochondrial disease. Also called: Mitochondrial disorder; Mitochondrial disorders. Identifiers: Orphanet 68380, MedGen C0751651, MeSH D028361, MONDO:0044970.
ENCEPHALOCARDIOMYOPATHY, MITOCHONDRIAL. Identifiers: MedGen C4016630.

Submissions (2):

ClinGen Mitochondrial Disease Nuclear and Mitochondrial  Variant Curation Expert Panel, ClinGen
Classification: Uncertain significance for Mitochondrial disease. Last evaluated: 2024-04-23. Review status: reviewed by expert panel. Criteria: clingen mito disease acmg specifications v1-1. Collection method: curation. Allele origin: germline. Inheritance: Mitochondrial inheritance.
Comment: Brain MRI showed diffuse brain atrophy and bilateral putaminal intensities. Muscle biopsy showed a diffuse reduction in COX activity with normal SDH staining. Respiratory chain enzyme activities in muscle showed reduced complex IV activity (12% of controls). The variant was present at 25% heteroplasmy in muscle, 13% in leukocytes, and 17% in skin fibroblasts (PMID: 18337306). There are no other large families reported to consider evidence for segregation. This variant is absent in the GenBank dataset, Helix dataset, and gnomAD v3.1.2 (PM2_supporting). Single fiber testing showed higher levels of the variant in COX-negative fibers (31±7%, n = 11) than in COX-positive fibers (3 ± 4%, n = 13), p<0.01 (PS3_supporting, PMID: 18337306). Cybrid studies and translation assay further support the functional effect of this variant (PMID: 18337306). The computational predictor MitoTIP suggests this variant is pathogenic (53 percentile) and HmtVAR predicts it to be pathogenic score of 0.7 (PP3). In summary, this variant meets criteria to be classified as uncertain significance for primary mitochondrial disease inherited in a mitochondrial manner. This classification was approved by the NICHD/NINDS U24 ClinGen Mitochondrial Disease Variant Curation Expert Panel on April 23, 2024. Mitochondrial DNA-specific ACMG/AMP criteria applied (PMID: 32906214): PM6_supporting, PM2_supporting, PS3_supporting, PP3.

OMIM
Classification: Pathogenic for ENCEPHALOCARDIOMYOPATHY, MITOCHONDRIAL. Last evaluated: 2008-06-15. Review status: no assertion criteria provided. Collection method: literature only. Allele origin: germline. Not counted in ClinVar's aggregate classification.

Literature cited by the submitters: PubMed 18337306 (cited by ClinGen Mitochondrial Disease Nuclear and Mitochondrial  Variant Curation Expert Panel, ClinGen and OMIM).

NC_012920.1(MT-TW):m.5545C>T

Gene: MT-TW (mitochondrially encoded tRNA tryptophan; plus strand).
Variant type: single nucleotide variant.
Genome position: chrM-5545-C-T.
Other names: 5545C-T.
Identifiers: ClinVar variation 9558 (VCV000009558.3), dbSNP rs387906418, ClinGen allele CA120543.